The following is an entry in ClinVar:

ClinVar aggregate classification (germline): Uncertain significance (1 of 4 stars; one submission).

Conditions:
Inborn genetic diseases. Identifiers: MedGen C0950123, MeSH D030342.

Submission:

Ambry Genetics
Classification: Uncertain significance for Inborn genetic diseases. Last evaluated: 2024-05-02. Review status: criteria provided, single submitter. Criteria: Ambry Variant Classification Scheme 2023. Collection method: clinical testing. Allele origin: germline.
Comment: The p.A16S variant (also known as c.46G>T), located in coding exon 1 of the MIB1 gene, results from a G to T substitution at nucleotide position 46. The alanine at codon 16 is replaced by serine, an amino acid with similar properties. This amino acid position is conserved. In addition, this alteration is predicted to be tolerated by in silico analysis. Based on the available evidence, the clinical significance of this variant remains unclear.

NM_020774.4(MIB1):c.46G>T (p.Ala16Ser)

Gene: MIB1 (MIB E3 ubiquitin protein ligase 1; plus strand). Cytogenetic location: 18q11.2.
Variant type: single nucleotide variant.
Coding change: c.46G>T on transcript NM_020774.4 (MANE Select); coding-DNA position 46, G replaced by T.
Protein change: p.Ala16Ser; replaces alanine 16 with serine.
Molecular consequence: missense variant.
Genome position (GRCh38, 1-based): chr18:21,741,629, G>T. VCF-style: chr18-21741629-G-T. GRCh37 (hg19) VCF-style: chr18-19321590-G-T.
Other names: short protein forms A16S.
Identifiers: ClinVar variation 3294699 (VCV003294699.1).